The following is an entry in ClinVar:

NM_020791.4(TAOK1):c.2973A>G (p.Gln991=)

Gene: TAOK1 (TAO kinase 1; plus strand). Cytogenetic location: 17q11.2.
Variant type: single nucleotide variant.
Coding change: c.2973A>G on transcript NM_020791.4 (MANE Select); coding-DNA position 2973, A replaced by G.
Protein change: p.Gln991=; no amino-acid change (glutamine 991 retained).
Molecular consequence: synonymous variant.
Genome position (GRCh38, 1-based): chr17:29,542,989, A>G. VCF-style: chr17-29542989-A-G. GRCh37 (hg19) VCF-style: chr17-27870007-A-G.
Other names: c.2529A>G, p.Gln843= (NM_025142.1).
Identifiers: ClinVar variation 3357181 (VCV003357181.1).

ClinVar aggregate classification (germline): Likely benign (0 of 4 stars; one submission).

Conditions:
TAOK1-related disorder. Also called: TAOK1-related condition.

gnomAD v4.1: 7 of 1,607,360 alleles (0.00044%); highest among the groups gnomAD compares: Non-Finnish European, 0.0006%; no homozygotes.

Submission:

PreventionGenetics, part of Exact Sciences
Classification: Likely benign for TAOK1-related condition. Last evaluated: 2024-03-29. Review status: no assertion criteria provided. Collection method: clinical testing. Allele origin: germline.
Comment: This variant is classified as likely benign based on ACMG/AMP sequence variant interpretation guidelines (Richards et al. 2015 PMID: 25741868, with internal and published modifications).